The following is an entry in ClinVar:

ClinVar aggregate classification (germline): Conflicting classifications of pathogenicity. Review status: criteria provided, conflicting classifications (1 of 4 stars). 8 submissions from 8 submitters: Uncertain significance (1); Likely benign (5). 2 of the submissions do not count toward it. Last evaluated 2026-02-04.

Conditions:
SMPD1-related disorder. Also called: SMPD1-related condition.
Sphingomyelin/cholesterol lipidosis. Also called: Niemann-Pick disease. Identifiers: MedGen C0028064, MONDO:0001982.
Inborn genetic diseases. Identifiers: MedGen C0950123, MeSH D030342.
Niemann-Pick disease, type B. Also called: Chronic Visceral ASMD (Niemann-Pick Disease Type B; NPD-B). Identifiers: Orphanet 77293, MedGen C0268243, MONDO:0011871, OMIM 607616. Disease mechanism: loss of function.
Niemann-Pick disease, type A. Also called: SPHINGOMYELIN LIPIDOSIS; SPHINGOMYELINASE DEFICIENCY; Infantile Neurovisceral ASMD (Niemann-Pick Disease Type A; NPD-A). Identifiers: Orphanet 77292, MedGen C0268242, MONDO:0009756, OMIM 257200. Disease mechanism: loss of function.

Allele frequency attached by ClinVar (database versions not stated): 1000 Genomes Project 30x 0.00016; 1000 Genomes Project 0.00020; gnomAD 0.00066 and 0.00072; TOPMed 0.00070; gnomAD exomes 0.00077 and 0.00114; ESP Exome Variant Server 0.00085; ExAC 0.00099.

Submissions (8):

Labcorp Genetics (formerly Invitae), Labcorp
Classification: Likely benign for Niemann-Pick disease, type B; Niemann-Pick disease, type A. Last evaluated: 2026-02-04. Review status: criteria provided, single submitter. Criteria: Invitae Variant Classification Sherloc (09022015). Collection method: clinical testing. Allele origin: germline.

CeGaT Center for Human Genetics Tuebingen
Classification: Likely benign. Last evaluated: 2025-02-01. Review status: criteria provided, single submitter. Criteria: CeGaT Center For Human Genetics Tuebingen Variant Classification Criteria Version 2. Collection method: clinical testing. Allele origin: germline. Affected: yes. Observed: 3 variant alleles.
Comment: SMPD1: BP4, BP7

Blueprint Genetics
Classification: Likely benign. Last evaluated: 2024-10-17. Review status: criteria provided, single submitter. Criteria: ACMG Guidelines, 2015. Collection method: clinical testing. Allele origin: germline.

Ambry Genetics
Classification: Likely benign for Inborn genetic diseases. Last evaluated: 2022-05-06. Review status: criteria provided, single submitter. Criteria: Ambry Variant Classification Scheme 2023. Collection method: clinical testing. Allele origin: germline.

Broad Center for Mendelian Genomics, Broad Institute of MIT and Harvard
Classification: Likely benign for Sphingomyelin/cholesterol lipidosis. Last evaluated: 2020-01-22. Review status: criteria provided, single submitter. Criteria: ACMG Guidelines, 2015. Collection method: curation. Allele origin: germline. Inheritance: Autosomal recessive inheritance.
Comment: The c.297C>G (p.Thr99=) variant in SMPD1 (also known as p.Thr97= due to a difference in cDNA numbering) has not been previously reported in individuals with Niemann-Pick disease, but has been identified in 0.141% (181/128754) of European (non-Finnish) chromosomes by the Genome Aggregation Database (gnomAD; dbSNP rs146630228). This variant has also been reported in ClinVar (VariationID: 305196) as a VUS by Illumina Clinical Services Laboratory and as likely benign by Invitae. Computational prediction tools, including splice predictors, and conservation analyses suggest that this synonymous variant may not impact the protein, though this information is not predictive enough to rule out pathogenicity. In summary, although additional studies are required to fully establish its clinical significance, this variant is likely benign. ACMG/AMP Criteria applied: BS1, BP4, BP7 (Richards 2015).

Illumina Laboratory Services, Illumina
Classification: Uncertain significance for Niemann-Pick disease, type A. Last evaluated: 2018-01-13. Review status: criteria provided, single submitter. Criteria: ICSL Variant Classification Criteria 13 December 2019. Collection method: clinical testing. Allele origin: germline.

PreventionGenetics, part of Exact Sciences
Classification: Likely benign for SMPD1-related condition. Last evaluated: 2019-03-11. Review status: no assertion criteria provided. Collection method: clinical testing. Allele origin: germline. Not counted in ClinVar's aggregate classification.
Comment: This variant is classified as likely benign based on ACMG/AMP sequence variant interpretation guidelines (Richards et al. 2015 PMID: 25741868, with internal and published modifications).

Natera, Inc.
Classification: Uncertain significance for Acid sphingomyelinase deficiency. Last evaluated: 2017-11-20. Review status: no assertion criteria provided. Collection method: clinical testing. Allele origin: germline. Not counted in ClinVar's aggregate classification.

NM_000543.5(SMPD1):c.297C>G (p.Thr99=)

Gene: SMPD1 (sphingomyelin phosphodiesterase 1; plus strand). Cytogenetic location: 11p15.4.
Variant type: single nucleotide variant.
Coding change: c.297C>G on transcript NM_000543.5 (MANE Select); coding-DNA position 297, C replaced by G.
Protein change: p.Thr99=; no amino-acid change (threonine 99 retained).
Molecular consequence: synonymous variant. On other transcripts: 5 prime UTR variant (1), non-coding transcript variant (2).
Genome position (GRCh38, 1-based): chr11:6,390,895, C>G. VCF-style: chr11-6390895-C-G. GRCh37 (hg19) VCF-style: chr11-6412125-C-G.
Other names: c.297C>G, p.Thr99= (NM_001007593.3, NM_001318087.2, NM_001365135.2); c.-665C>G (NM_001318088.2).
Identifiers: ClinVar variation 305196 (VCV000305196.46), dbSNP rs146630228, ClinGen allele CA5852541.